The following is an entry in ClinVar:

ClinVar aggregate classification (germline): Uncertain significance (1 of 4 stars; one submission).

Allele frequency attached by ClinVar (database versions not stated): gnomAD exomes below 0.00001.
gnomAD v4.1: 1 of 1,611,862 alleles (0.000062%); highest among the groups gnomAD compares: Admixed American, 0.0017%; no homozygotes.

Submission:

Labcorp Genetics (formerly Invitae), Labcorp
Classification: Uncertain significance. Last evaluated: 2022-08-06. Review status: criteria provided, single submitter. Criteria: Invitae Variant Classification Sherloc (09022015). Collection method: clinical testing. Allele origin: germline.
Comment: In summary, the available evidence is currently insufficient to determine the role of this variant in disease. Therefore, it has been classified as a Variant of Uncertain Significance. This variant has not been reported in the literature in individuals affected with RIN2-related conditions. This sequence change replaces valine, which is neutral and non-polar, with glycine, which is neutral and non-polar, at codon 656 of the RIN2 protein (p.Val656Gly). This variant is present in population databases (no rsID available, gnomAD 0.003%). Algorithms developed to predict the effect of missense changes on protein structure and function are either unavailable or do not agree on the potential impact of this missense change (SIFT: "Tolerated"; PolyPhen-2: "Not Available"; Align-GVGD: "Class C0").

NM_018993.4(RIN2):c.1967T>G (p.Val656Gly)

Gene: RIN2 (Ras and Rab interactor 2; plus strand). Cytogenetic location: 20p11.23.
Variant type: single nucleotide variant.
Coding change: c.1967T>G on transcript NM_018993.4 (MANE Select); coding-DNA position 1967, T replaced by G.
Protein change: p.Val656Gly; replaces valine 656 with glycine.
Molecular consequence: missense variant.
Genome position (GRCh38, 1-based): chr20:19,990,210, T>G. VCF-style: chr20-19990210-T-G. GRCh37 (hg19) VCF-style: chr20-19970854-T-G.
Other names: c.2114T>G, p.Val705Gly (NM_001242581.2); c.1349T>G, p.Val450Gly (NM_001378238.1); short protein forms V656G, V450G, V705G.
Identifiers: ClinVar variation 2040844 (VCV002040844.4), dbSNP rs963871757, ClinGen allele CA312429855.
Genomic context (GRCh38, chr20:19,990,210, plus strand): 5'-CGCAGGAGCTGGGGGTCTTCGCCCCGACCCCTGATTTTGTGGATGTGGAGAAAATCAAAG[T>G]CAAGTTCATGACCATGCAGAAGATGTATTCGCCGGAAAAGAAGGTCATGCTGCTGCTGCG-3'
Protein context (NP_061866.1, residues 646-666): PDFVDVEKIK[Val656Gly]KFMTMQKMYS